The following is an entry in ClinVar:

NM_020461.4(TUBGCP6):c.905+1G>T

Gene: TUBGCP6 (tubulin gamma complex component 6; minus strand). Cytogenetic location: 22q13.33.
Variant type: single nucleotide variant.
Coding change: c.905+1G>T on transcript NM_020461.4 (MANE Select); the canonical splice donor site of the intron after coding-DNA position 905, G replaced by T.
Molecular consequence: splice donor variant.
Genome position (GRCh38, 1-based): chr22:50,240,203, C>A on the plus strand (G>T on the coding strand, the complement: TUBGCP6 is on the minus strand). VCF-style: chr22-50240203-C-A. GRCh37 (hg19) VCF-style: chr22-50678632-C-A.
Identifiers: ClinVar variation 1347331 (VCV001347331.8), dbSNP rs951985752, ClinGen allele CA412111851.

ClinVar aggregate classification (germline): Likely pathogenic (1 of 4 stars; one submission).

Submission:

Labcorp Genetics (formerly Invitae), Labcorp
Classification: Likely pathogenic. Last evaluated: 2022-09-01. Review status: criteria provided, single submitter. Criteria: Invitae Variant Classification Sherloc (09022015). Collection method: clinical testing. Allele origin: germline.
Comment: This sequence change affects a donor splice site in intron 2 of the TUBGCP6 gene. It is expected to disrupt RNA splicing. Variants that disrupt the donor or acceptor splice site typically lead to a loss of protein function (PMID: 16199547), and loss-of-function variants in TUBGCP6 are known to be pathogenic (PMID: 25344692). This variant is not present in population databases (gnomAD no frequency). This variant has not been reported in the literature in individuals affected with TUBGCP6-related conditions. ClinVar contains an entry for this variant (Variation ID: 1347331). Algorithms developed to predict the effect of sequence changes on RNA splicing suggest that this variant may disrupt the consensus splice site. In summary, the currently available evidence indicates that the variant is pathogenic, but additional data are needed to prove that conclusively. Therefore, this variant has been classified as Likely Pathogenic.

Literature cited by the submitters: PubMed 16199547; PubMed 25344692.